The following is an entry in ClinVar:

NM_004285.4(H6PD):c.127T>C (p.Trp43Arg)

Gene: H6PD (hexose-6-phosphate dehydrogenase/glucose 1-dehydrogenase; plus strand). Cytogenetic location: 1p36.22.
Variant type: single nucleotide variant.
Coding change: c.127T>C on transcript NM_004285.4 (MANE Select); coding-DNA position 127, T replaced by C.
Protein change: p.Trp43Arg; replaces tryptophan 43 with arginine.
Molecular consequence: missense variant.
Genome position (GRCh38, 1-based): chr1:9,245,061, T>C. VCF-style: chr1-9245061-T-C. GRCh37 (hg19) VCF-style: chr1-9305120-T-C.
Other names: c.160T>C, p.Trp54Arg (NM_001282587.2); short protein forms W54R, W43R.
Identifiers: ClinVar variation 2521468 (VCV002521468.3), dbSNP rs771086344, ClinGen allele CA574879.

ClinVar aggregate classification (germline): Uncertain significance. Review status: criteria provided, multiple submitters, no conflicts (2 of 4 stars). 2 submissions from 2 submitters: Uncertain significance (2). Last evaluated 2025-08-02.

Conditions:
Inborn genetic diseases. Identifiers: MedGen C0950123, MeSH D030342.

gnomAD v4.1: 48 of 1,614,110 alleles (0.003%); highest among the groups gnomAD compares: South Asian, 0.018%; no homozygotes.

Submissions (2):

Labcorp Genetics (formerly Invitae), Labcorp
Classification: Uncertain significance. Last evaluated: 2025-08-02. Review status: criteria provided, single submitter. Criteria: Invitae Variant Classification Sherloc (09022015). Collection method: clinical testing. Allele origin: germline.
Comment: This sequence change replaces tryptophan, which is neutral and slightly polar, with arginine, which is basic and polar, at codon 43 of the H6PD protein (p.Trp43Arg). This variant is present in population databases (rs771086344, gnomAD 0.02%). This variant has not been reported in the literature in individuals affected with H6PD-related conditions. ClinVar contains an entry for this variant (Variation ID: 2521468). Invitae Evidence Modeling of protein sequence and biophysical properties (such as structural, functional, and spatial information, amino acid conservation, physicochemical variation, residue mobility, and thermodynamic stability) indicates that this missense variant is expected to disrupt H6PD protein function with a positive predictive value of 80%. In summary, the available evidence is currently insufficient to determine the role of this variant in disease. Therefore, it has been classified as a Variant of Uncertain Significance.

Ambry Genetics
Classification: Uncertain significance for Inborn genetic diseases. Last evaluated: 2023-05-09. Review status: criteria provided, single submitter. Criteria: Ambry Variant Classification Scheme 2023. Collection method: clinical testing. Allele origin: germline.